The following is an entry in ClinVar:

ClinVar aggregate classification (germline): Likely benign. Review status: criteria provided, single submitter (1 of 4 stars). 2 submissions from 2 submitters: Likely benign (1). 1 of the submissions does not count toward it. Last evaluated 2024-02-12.

Conditions:
STAR-related disorder. Also called: STAR-related condition.

Allele frequency attached by ClinVar (database versions not stated): ExAC 0.00005; gnomAD exomes 0.00006 and 0.00009; TOPMed 0.00006; ESP Exome Variant Server 0.00008; gnomAD 0.00009.
gnomAD v4.1: 142 of 1,614,152 alleles (0.0088%); highest among the groups gnomAD compares: Non-Finnish European, 0.011%; no homozygotes.

Submissions (2):

Labcorp Genetics (formerly Invitae), Labcorp
Classification: Likely benign. Last evaluated: 2024-02-12. Review status: criteria provided, single submitter. Criteria: Invitae Variant Classification Sherloc (09022015). Collection method: clinical testing. Allele origin: germline.

PreventionGenetics, part of Exact Sciences
Classification: Likely benign for STAR-related condition. Last evaluated: 2019-11-25. Review status: no assertion criteria provided. Collection method: clinical testing. Allele origin: germline. Not counted in ClinVar's aggregate classification.
Comment: This variant is classified as likely benign based on ACMG/AMP sequence variant interpretation guidelines (Richards et al. 2015 PMID: 25741868, with internal and published modifications).

NM_000349.3(STAR):c.516C>T (p.Ala172=)

Gene: STAR (steroidogenic acute regulatory protein; minus strand). Cytogenetic location: 8p11.23.
Variant type: single nucleotide variant.
Coding change: c.516C>T on transcript NM_000349.3 (MANE Select); coding-DNA position 516, C replaced by T.
Protein change: p.Ala172=; no amino-acid change (alanine 172 retained).
Molecular consequence: synonymous variant.
Genome position (GRCh38, 1-based): chr8:38,146,097, G>A on the plus strand (C>T on the coding strand, the complement: STAR is on the minus strand). VCF-style: chr8-38146097-G-A. GRCh37 (hg19) VCF-style: chr8-38003615-G-A.
Other names: c.516C>T (NM_000349.2).
Identifiers: ClinVar variation 1145748 (VCV001145748.9), dbSNP rs372984416, ClinGen allele CA4715220.
Genomic context (GRCh38, chr8:38,146,097, plus strand): 5'-GCGCTTGGCACAGCGCACGCTCACAAAGTCACGGGGCCCCACCAGGTTTCCTGCTGCCTC[G>A]GCAGCCAGCTCGTGAGTAATGAATGTATCTTTTCCGATCTTCTGCAGGACCTACCAGGCC-3'
Protein context (NP_000340.2, residues 162-182): KDTFITHELA[Ala172=]EAAGNLVGPR